The following is an entry in ClinVar:

NM_001711.6(BGN):c.515G>T (p.Arg172Leu)

Gene: BGN (biglycan; plus strand). Cytogenetic location: Xq28.
Variant type: single nucleotide variant.
Coding change: c.515G>T on transcript NM_001711.6 (MANE Select); coding-DNA position 515, G replaced by T.
Protein change: p.Arg172Leu; replaces arginine 172 with leucine.
Molecular consequence: missense variant.
Genome position (GRCh38, 1-based): chrX:153,506,026, G>T. VCF-style: chrX-153506026-G-T. GRCh37 (hg19) VCF-style: chrX-152771484-G-T.
Other names: short protein forms R172L.
Identifiers: ClinVar variation 1490945 (VCV001490945.6), dbSNP rs782239175, ClinGen allele CA415069866.

ClinVar aggregate classification (germline): Uncertain significance (1 of 4 stars; one submission).

gnomAD v4.1: 1 of 1,210,263 alleles (0.000083%); highest among the groups gnomAD compares: Non-Finnish European, 0.00011%; no homozygotes.

Submission:

Labcorp Genetics (formerly Invitae), Labcorp
Classification: Uncertain significance. Last evaluated: 2025-12-01. Review status: criteria provided, single submitter. Criteria: Invitae Variant Classification Sherloc (09022015). Collection method: clinical testing. Allele origin: germline.
Comment: This sequence change replaces arginine, which is basic and polar, with leucine, which is neutral and non-polar, at codon 172 of the BGN protein (p.Arg172Leu). This variant is not present in population databases (gnomAD no frequency). This variant has not been reported in the literature in individuals affected with BGN-related conditions. ClinVar contains an entry for this variant (Variation ID: 1490945). Invitae Evidence Modeling of protein sequence and biophysical properties (such as structural, functional, and spatial information, amino acid conservation, physicochemical variation, residue mobility, and thermodynamic stability) indicates that this missense variant is not expected to disrupt BGN protein function with a negative predictive value of 80%. In summary, the available evidence is currently insufficient to determine the role of this variant in disease. Therefore, it has been classified as a Variant of Uncertain Significance.